The following is an entry in ClinVar:

ClinVar aggregate classification (germline): Uncertain significance. Review status: criteria provided, multiple submitters, no conflicts (2 of 4 stars). 2 submissions from 2 submitters: Uncertain significance (2). Last evaluated 2024-01-03.

Conditions:
Glycogen storage disease due to lactate dehydrogenase M-subunit deficiency (GSD11). Also called: Glycogen storage disease XI; GSD XI; LACTATE DEHYDROGENASE A DEFICIENCY. Identifiers: Orphanet 284426, MedGen C2931743, MONDO:0013047, OMIM 612933.

gnomAD v4.1: 12 of 1,612,356 alleles (0.00074%); highest among the groups gnomAD compares: African/African-American, 0.008%; no homozygotes.

Submissions (2):

Fulgent Genetics
Classification: Uncertain significance for Glycogen storage disease due to lactate dehydrogenase M-subunit deficiency. Last evaluated: 2024-01-03. Review status: criteria provided, single submitter. Criteria: ACMG Guidelines, 2015. Collection method: clinical testing. Allele origin: germline.

Labcorp Genetics (formerly Invitae), Labcorp
Classification: Uncertain significance for Glycogen storage disease due to lactate dehydrogenase M-subunit deficiency. Last evaluated: 2022-02-28. Review status: criteria provided, single submitter. Criteria: Invitae Variant Classification Sherloc (09022015). Collection method: clinical testing. Allele origin: germline.
Comment: This sequence change replaces threonine, which is neutral and polar, with isoleucine, which is neutral and non-polar, at codon 18 of the LDHA protein (p.Thr18Ile). This variant is present in population databases (rs537487381, gnomAD 0.01%). This variant has not been reported in the literature in individuals affected with LDHA-related conditions. Algorithms developed to predict the effect of missense changes on protein structure and function output the following: SIFT: "Tolerated"; PolyPhen-2: "Benign"; Align-GVGD: "Class C0". The isoleucine amino acid residue is found in multiple mammalian species, which suggests that this missense change does not adversely affect protein function. In summary, the available evidence is currently insufficient to determine the role of this variant in disease. Therefore, it has been classified as a Variant of Uncertain Significance.

NM_005566.4(LDHA):c.53C>T (p.Thr18Ile)

Gene: LDHA (lactate dehydrogenase A; plus strand). Cytogenetic location: 11p15.1.
Variant type: single nucleotide variant.
Coding change: c.53C>T on transcript NM_005566.4 (MANE Select); coding-DNA position 53, C replaced by T.
Protein change: p.Thr18Ile; replaces threonine 18 with isoleucine.
Molecular consequence: missense variant. On other transcripts: non-coding transcript variant (1).
Genome position (GRCh38, 1-based): chr11:18,396,895, C>T. VCF-style: chr11-18396895-C-T. GRCh37 (hg19) VCF-style: chr11-18418442-C-T.
Other names: c.53C>T, p.Thr18Ile (NM_001135239.2, NM_001165415.2, NM_001165416.2); c.140C>T, p.Thr47Ile (NM_001165414.2); short protein forms T47I, T18I.
Identifiers: ClinVar variation 1904312 (VCV001904312.3), dbSNP rs537487381, ClinGen allele CA5911172.
Genomic context (GRCh38, chr11:18,396,895, plus strand): 5'-AGTCCAATATGGCAACTCTAAAGGATCAGCTGATTTATAATCTTCTAAAGGAAGAACAGA[C>T]CCCCCAGAATAAGATTACAGTTGTTGGGGTTGGTGCTGTTGGCATGGCCTGTGCCATCAG-3'
Protein context (NP_005557.1, residues 8-28): LIYNLLKEEQ[Thr18Ile]PQNKITVVGV